The following is an entry in ClinVar:

ClinVar aggregate classification (germline): Uncertain significance. Review status: criteria provided, multiple submitters, no conflicts (2 of 4 stars). 2 submissions from 2 submitters: Uncertain significance (2). Last evaluated 2022-12-01.

Allele frequency attached by ClinVar (database versions not stated): gnomAD exomes below 0.00001; ExAC 0.00001; gnomAD 0.00002.
gnomAD v4.1: 4 of 1,611,726 alleles (0.00025%); highest among the groups gnomAD compares: East Asian, 0.0067%; no homozygotes.

Submissions (2):

Blueprint Genetics
Classification: Uncertain significance. Last evaluated: 2022-12-01. Review status: criteria provided, single submitter. Criteria: ACMG Guidelines, 2015. Collection method: clinical testing. Allele origin: germline.

Labcorp Genetics (formerly Invitae), Labcorp
Classification: Uncertain significance. Last evaluated: 2022-06-27. Review status: criteria provided, single submitter. Criteria: Invitae Variant Classification Sherloc (09022015). Collection method: clinical testing. Allele origin: germline.
Comment: In summary, the available evidence is currently insufficient to determine the role of this variant in disease. Therefore, it has been classified as a Variant of Uncertain Significance. Algorithms developed to predict the effect of missense changes on protein structure and function are either unavailable or do not agree on the potential impact of this missense change (SIFT: "Deleterious"; PolyPhen-2: "Probably Damaging"; Align-GVGD: "Class C0"). This variant has not been reported in the literature in individuals affected with RBP4-related conditions. The frequency data for this variant in the population databases is considered unreliable, as metrics indicate poor data quality at this position in the gnomAD database. This sequence change replaces leucine, which is neutral and non-polar, with valine, which is neutral and non-polar, at codon 53 of the RBP4 protein (p.Leu53Val).

NM_006744.4(RBP4):c.157C>G (p.Leu53Val)

Gene: RBP4 (retinol binding protein 4; minus strand). Cytogenetic location: 10q23.33.
Variant type: single nucleotide variant.
Coding change: c.157C>G on transcript NM_006744.4 (MANE Select); coding-DNA position 157, C replaced by G.
Protein change: p.Leu53Val; replaces leucine 53 with valine.
Molecular consequence: missense variant.
Genome position (GRCh38, 1-based): chr10:93,600,758, G>C on the plus strand (C>G on the coding strand, the complement: RBP4 is on the minus strand). VCF-style: chr10-93600758-G-C. GRCh37 (hg19) VCF-style: chr10-95360515-G-C.
Other names: c.157C>G, p.Leu53Val (NM_001323517.1); c.151C>G, p.Leu51Val (NM_001323518.2); short protein forms L53V, L51V.
Identifiers: ClinVar variation 1898086 (VCV001898086.6), dbSNP rs780211759, ClinGen allele CA5609642.